The following is an entry in ClinVar:

ClinVar aggregate classification (germline): Uncertain significance. Review status: criteria provided, multiple submitters, no conflicts (2 of 4 stars). 2 submissions from 2 submitters: Uncertain significance (2). Last evaluated 2022-07-01.

Conditions:
Inborn genetic diseases. Identifiers: MedGen C0950123, MeSH D030342.

Allele frequency attached by ClinVar (database versions not stated): 1000 Genomes Project 30x 0.00031.
gnomAD v4.1: 34 of 1,614,008 alleles (0.0021%); highest among the groups gnomAD compares: South Asian, 0.0055%; no homozygotes.

Submissions (2):

Labcorp Genetics (formerly Invitae), Labcorp
Classification: Uncertain significance. Last evaluated: 2022-07-01. Review status: criteria provided, single submitter. Criteria: Invitae Variant Classification Sherloc (09022015). Collection method: clinical testing. Allele origin: germline.
Comment: This variant is present in population databases (rs148196159, gnomAD 0.006%). In summary, the available evidence is currently insufficient to determine the role of this variant in disease. Therefore, it has been classified as a Variant of Uncertain Significance. Algorithms developed to predict the effect of missense changes on protein structure and function (SIFT, PolyPhen-2, Align-GVGD) all suggest that this variant is likely to be tolerated. This variant has not been reported in the literature in individuals affected with ITGA8-related conditions. This sequence change replaces proline, which is neutral and non-polar, with leucine, which is neutral and non-polar, at codon 161 of the ITGA8 protein (p.Pro161Leu).

Ambry Genetics
Classification: Uncertain significance for Inborn genetic diseases. Last evaluated: 2021-07-16. Review status: criteria provided, single submitter. Criteria: Ambry Variant Classification Scheme 2023. Collection method: clinical testing. Allele origin: germline.

NM_003638.3(ITGA8):c.482C>T (p.Pro161Leu)

Gene: ITGA8 (integrin subunit alpha 8; minus strand). Cytogenetic location: 10p13.
Variant type: single nucleotide variant.
Coding change: c.482C>T on transcript NM_003638.3 (MANE Select); coding-DNA position 482, C replaced by T.
Protein change: p.Pro161Leu; replaces proline 161 with leucine.
Molecular consequence: missense variant.
Genome position (GRCh38, 1-based): chr10:15,684,090, G>A on the plus strand (C>T on the coding strand, the complement: ITGA8 is on the minus strand). VCF-style: chr10-15684090-G-A. GRCh37 (hg19) VCF-style: chr10-15726089-G-A.
Other names: c.482C>T, p.Pro161Leu (NM_001291494.2); short protein forms P161L.
Identifiers: ClinVar variation 1921769 (VCV001921769.6), dbSNP rs148196159, ClinGen allele CA5420673.